The following is an entry in ClinVar:

NM_001077653.2(TBX20):c.1211G>A (p.Ser404Asn)

Gene: TBX20 (T-box transcription factor 20; minus strand). Cytogenetic location: 7p14.2.
Variant type: single nucleotide variant.
Coding change: c.1211G>A on transcript NM_001077653.2 (MANE Select); coding-DNA position 1211, G replaced by A.
Protein change: p.Ser404Asn; replaces serine 404 with asparagine.
Molecular consequence: missense variant.
Genome position (GRCh38, 1-based): chr7:35,202,563, C>T on the plus strand (G>A on the coding strand, the complement: TBX20 is on the minus strand). VCF-style: chr7-35202563-C-T. GRCh37 (hg19) VCF-style: chr7-35242175-C-T.
Other names: short protein forms S404N.
Identifiers: ClinVar variation 1750502 (VCV001750502.5), dbSNP rs1789320905, ClinGen allele CA367262990.
Genomic context (GRCh38, chr7:35,202,563, plus strand): 5'-TAGTGATGGTATCGCGGCATGTGGAATGAAGGGAATGTGGGGCCACTCCCTTGCATGGAG[C>T]TGGCAATGGCCGATGGTGTCAGAGGCATTCCCAGTCGGCTATATGGTGGCAGAGAACCCT-3'
Protein context (NP_001071121.1, residues 394-414): GMPLTPSAIA[Ser404Asn]SMQGSGPTFP

ClinVar aggregate classification (germline): Uncertain significance. Review status: criteria provided, multiple submitters, no conflicts (2 of 4 stars). 2 submissions from 2 submitters: Uncertain significance (2). Last evaluated 2024-10-08.

Conditions:
Cardiovascular phenotype. Identifiers: MedGen CN230736.

Allele frequency attached by ClinVar (database versions not stated): gnomAD 0.00001; TOPMed 0.00001.
gnomAD v4.1: 2 of 1,613,968 alleles (0.00012%); highest among the groups gnomAD compares: Admixed American, 0.0033%; no homozygotes.

Submissions (2):

Ambry Genetics
Classification: Uncertain significance for Cardiovascular phenotype. Last evaluated: 2024-10-08. Review status: criteria provided, single submitter. Criteria: Ambry Variant Classification Scheme 2023. Collection method: clinical testing. Allele origin: germline.
Comment: The p.S404N variant (also known as c.1211G>A), located in coding exon 8 of the TBX20 gene, results from a G to A substitution at nucleotide position 1211. The serine at codon 404 is replaced by asparagine, an amino acid with highly similar properties. This amino acid position is conserved. In addition, this alteration is predicted to be tolerated by in silico analysis. Since supporting evidence is limited at this time, the clinical significance of this alteration remains unclear.

Labcorp Genetics (formerly Invitae), Labcorp
Classification: Uncertain significance. Last evaluated: 2024-05-12. Review status: criteria provided, single submitter. Criteria: Invitae Variant Classification Sherloc (09022015). Collection method: clinical testing. Allele origin: germline.
Comment: This sequence change replaces serine, which is neutral and polar, with asparagine, which is neutral and polar, at codon 404 of the TBX20 protein (p.Ser404Asn). This variant is not present in population databases (gnomAD no frequency). This variant has not been reported in the literature in individuals affected with TBX20-related conditions. ClinVar contains an entry for this variant (Variation ID: 1750502). An algorithm developed to predict the effect of missense changes on protein structure and function (PolyPhen-2) suggests that this variant is likely to be tolerated. In summary, the available evidence is currently insufficient to determine the role of this variant in disease. Therefore, it has been classified as a Variant of Uncertain Significance.